The following is an entry in ClinVar:

NM_199420.4(POLQ):c.7676A>G (p.Lys2559Arg)

Gene: POLQ (DNA polymerase theta; minus strand). Cytogenetic location: 3q13.33.
Variant type: single nucleotide variant.
Coding change: c.7676A>G on transcript NM_199420.4 (MANE Select); coding-DNA position 7676, A replaced by G.
Protein change: p.Lys2559Arg; replaces lysine 2559 with arginine.
Molecular consequence: missense variant.
Genome position (GRCh38, 1-based): chr3:121,432,401, T>C on the plus strand (A>G on the coding strand, the complement: POLQ is on the minus strand). VCF-style: chr3-121432401-T-C. GRCh37 (hg19) VCF-style: chr3-121151248-T-C.
Other names: short protein forms K2559R.
Identifiers: ClinVar variation 2563810 (VCV002563810.2), dbSNP rs2546744397, ClinGen allele CA354093217.

ClinVar aggregate classification (germline): Uncertain significance (1 of 4 stars; one submission).

Allele frequency attached by ClinVar (database versions not stated): gnomAD exomes below 0.00001.
gnomAD v4.1: 2 of 1,608,510 alleles (0.00012%); highest among the groups gnomAD compares: African/African-American, 0.0013%; no homozygotes.

Submission:

Ambry Genetics
Classification: Uncertain significance. Last evaluated: 2023-04-23. Review status: criteria provided, single submitter. Criteria: Ambry Variant Classification Scheme 2023. Collection method: clinical testing. Allele origin: germline.
Comment: The p.K2559R variant (also known as c.7676A>G), located in coding exon 30 of the POLQ gene, results from an A to G substitution at nucleotide position 7676. The lysine at codon 2559 is replaced by arginine, an amino acid with highly similar properties. This amino acid position is conserved. In addition, the in silico prediction for this alteration is inconclusive. Since supporting evidence is limited at this time, the clinical significance of this alteration remains unclear.